The following is an entry in ClinVar:

ClinVar aggregate classification (germline): Likely benign (0 of 4 stars; one submission).

Conditions:
Familial cancer of breast. Also called: BREAST CANCER, FAMILIAL; hereditary breast carcinoma; Hereditary breast cancer. Identifiers: Orphanet 227535, MedGen C0346153, MONDO:0016419, OMIM 114480. Disease mechanism: loss of function.

Allele frequency attached by ClinVar (database versions not stated): 1000 Genomes Project 0.00260; gnomAD 0.00350 and 0.00355; gnomAD exomes 0.00355; 1000 Genomes Project 30x 0.00250; TOPMed 0.00448.
gnomAD v4.1: 2,589 of 727,084 alleles (0.36%); highest among the groups gnomAD compares: Admixed American, 0.68%; 8 homozygotes.

Submission:

Leiden Open Variation Database
Classification: Likely benign for Familial cancer of breast. Last evaluated: 2019-05-13. Review status: no assertion criteria provided. Collection method: curation. Allele origin: germline. Affected: yes.
Comment: Curators: Marc Tischkowitz, Arleen D. Auerbach. Submitter to LOVD: Marc Tischkowitz.

Literature cited by the submitters: PubMed 21932393.

NM_024675.4(PALB2):c.3113+131G>T

Gene: PALB2 (partner and localizer of BRCA2; minus strand). Cytogenetic location: 16p12.2.
Variant type: single nucleotide variant.
Coding change: c.3113+131G>T on transcript NM_024675.4 (MANE Select); 131 bases into the intron after coding-DNA position 3113, G replaced by T.
Molecular consequence: intron variant.
Genome position (GRCh38, 1-based): chr16:23,621,231, C>A on the plus strand (G>T on the coding strand, the complement: PALB2 is on the minus strand). VCF-style: chr16-23621231-C-A. GRCh37 (hg19) VCF-style: chr16-23632552-C-A.
Identifiers: ClinVar variation 126710 (VCV000126710.3), dbSNP rs150730533, ClinGen allele CA269597.